The following is an entry in ClinVar:

ClinVar aggregate classification (germline): Benign. Review status: criteria provided, multiple submitters, no conflicts (2 of 4 stars). 8 submissions from 8 submitters: Benign (6). 2 of the submissions do not count toward it. Last evaluated 2026-02-04.

Conditions:
ALG9 congenital disorder of glycosylation (CDG1L). Also called: CDG Il; ALG9-CDG; CONGENITAL DISORDER OF GLYCOSYLATION, TYPE Il. Identifiers: Orphanet 79328, MedGen C2931006, MONDO:0012117, OMIM 608776.
Cutis laxa with osteodystrophy (ARCL2A). Also called: Debré-Type Cutis Laxa; CUTIS LAXA WITH CONGENITAL DISORDER OF GLYCOSYLATION; CUTIS LAXA, AUTOSOMAL RECESSIVE, TYPE IIA; CUTIS LAXA WITH BONE DYSTROPHY; CUTIS LAXA WITH GROWTH AND DEVELOPMENTAL DELAY; CUTIS LAXA WITH JOINT LAXITY AND RETARDED DEVELOPMENT. Identifiers: Orphanet 357058, MedGen C0268355, MONDO:0018163, OMIM 219200. Disease mechanism: loss of function.

Allele frequency attached by ClinVar (database versions not stated): gnomAD exomes 0.00417 and 0.01132; ExAC 0.01015; ESP Exome Variant Server 0.02099; gnomAD 0.02323 and 0.02215; 1000 Genomes Project 0.02756; 1000 Genomes Project 30x 0.02951; TOPMed 0.02673.
gnomAD v4.1: 9,592 of 1,614,174 alleles (0.59%); highest among the groups gnomAD compares: African/African-American, 5.6%; 238 homozygotes.

Submissions (8):

Labcorp Genetics (formerly Invitae), Labcorp
Classification: Benign for ALG9 congenital disorder of glycosylation. Last evaluated: 2026-02-04. Review status: criteria provided, single submitter. Criteria: Invitae Variant Classification Sherloc (09022015). Collection method: clinical testing. Allele origin: germline.

Illumina Laboratory Services, Illumina
Classification: Benign for Cutis laxa with osteodystrophy. Last evaluated: 2018-01-13. Review status: criteria provided, single submitter. Criteria: ICSL Variant Classification Criteria 13 December 2019. Collection method: clinical testing. Allele origin: germline.
Comment: This variant was observed in the ICSL laboratory as part of a predisposition screen in an ostensibly healthy population. It had not been previously curated by ICSL or reported in the Human Gene Mutation Database (HGMD: prior to June 1st, 2018), and was therefore a candidate for classification through an automated scoring system. Utilizing variant allele frequency, disease prevalence and penetrance estimates, and inheritance mode, an automated score was calculated to assess if this variant is too frequent to cause the disease. Based on the score and internal cut-off values, a variant classified as benign is not then subjected to further curation. The score for this variant resulted in a classification of benign for this disease.

GeneDx
Classification: Benign. Last evaluated: 2016-03-22. Review status: criteria provided, single submitter. Criteria: GeneDx Variant Classification (06012015). Collection method: clinical testing. Allele origin: germline. Affected: yes.
Comment: This variant is considered likely benign or benign based on one or more of the following criteria: it is a conservative change, it occurs at a poorly conserved position in the protein, it is predicted to be benign by multiple in silico algorithms, and/or has population frequency not consistent with disease.

Center for Pediatric Genomic Medicine, Children's Mercy Hospital and Clinics
Classification: Benign. Last evaluated: 2015-06-05. Review status: criteria provided, single submitter. Criteria: ACMG Guidelines, 2015. Collection method: clinical testing. Allele origin: germline.

Eurofins Ntd Llc (ga)
Classification: Benign. Last evaluated: 2012-07-10. Review status: criteria provided, single submitter. Criteria: EGL Classification Definitions 2015. Collection method: clinical testing. Allele origin: germline. Observed: 2 variant alleles, 2 heterozygotes.

Breakthrough Genomics
Classification: Benign. Review status: criteria provided, single submitter. Criteria: ACMG Guidelines, 2015. Collection method: not provided. Allele origin: germline. Inheritance: Autosomal recessive inheritance. Affected: yes.

Clinical Genetics DNA and cytogenetics Diagnostics Lab, Erasmus MC, Erasmus Medical Center
Classification: Benign. Review status: no assertion criteria provided. Collection method: clinical testing. Allele origin: germline. Affected: yes. Study: VKGL Data-share Consensus. Not counted in ClinVar's aggregate classification.

Laboratory of Diagnostic Genome Analysis, Leiden University Medical Center (LUMC)
Classification: Likely benign. Review status: no assertion criteria provided. Collection method: clinical testing. Allele origin: germline. Affected: yes. Study: VKGL Data-share Consensus. Not counted in ClinVar's aggregate classification.

NM_012463.4(ATP6V0A2):c.1121A>G (p.Lys374Arg)

Gene: ATP6V0A2 (ATPase H+ transporting V0 subunit a2; plus strand). Cytogenetic location: 12q24.31.
Variant type: single nucleotide variant.
Coding change: c.1121A>G on transcript NM_012463.4 (MANE Select); coding-DNA position 1121, A replaced by G.
Protein change: p.Lys374Arg; replaces lysine 374 with arginine.
Molecular consequence: missense variant.
Genome position (GRCh38, 1-based): chr12:123,743,867, A>G. VCF-style: chr12-123743867-A-G. GRCh37 (hg19) VCF-style: chr12-124228414-A-G.
Other names: short protein forms K374R.
Identifiers: ClinVar variation 95517 (VCV000095517.23), dbSNP rs79134187, ClinGen allele CA148588.